The following is an entry in ClinVar:

NM_024490.4(ATP10A):c.720G>A (p.Leu240=)

Gene: ATP10A (ATPase phospholipid transporting 10A (putative); minus strand). Cytogenetic location: 15q12.
Variant type: single nucleotide variant.
Coding change: c.720G>A on transcript NM_024490.4 (MANE Select); coding-DNA position 720, G replaced by A.
Protein change: p.Leu240=; no amino-acid change (leucine 240 retained).
Molecular consequence: synonymous variant.
Genome position (GRCh38, 1-based): chr15:25,736,076, C>T on the plus strand (G>A on the coding strand, the complement: ATP10A is on the minus strand). VCF-style: chr15-25736076-C-T. GRCh37 (hg19) VCF-style: chr15-25981223-C-T.
Other names: NC_000015.9:g.25981223C>T.
Identifiers: ClinVar variation 3034746 (VCV003034746.3), dbSNP rs75541743, ClinGen allele CA7437080.

ClinVar aggregate classification (germline): Likely benign (0 of 4 stars; one submission).

Conditions:
ATP10A-related disorder. Also called: ATP10A-related condition.

Allele frequency attached by ClinVar (database versions not stated): 1000 Genomes Project 0.00120; 1000 Genomes Project 30x 0.00125.
gnomAD v4.1: 460 of 1,613,798 alleles (0.029%); highest among the groups gnomAD compares: African/African-American, 0.53%; 2 homozygotes.

Submissions (3):

PreventionGenetics, part of Exact Sciences
Classification: Likely benign for ATP10A-related condition. Last evaluated: 2019-08-13. Review status: no assertion criteria provided. Collection method: clinical testing. Allele origin: germline.
Comment: This variant is classified as likely benign based on ACMG/AMP sequence variant interpretation guidelines (Richards et al. 2015 PMID: 25741868, with internal and published modifications).

Dr. Peter K. Rogan Lab, Western University
No classification provided (evidence only). Condition: Lung cancer. Review status: no classification provided. Collection method: in vitro. Allele origin: not applicable. Functional consequence: retained intron. Not counted in ClinVar's aggregate classification.

Dr. Peter K. Rogan Lab, Western University
No classification provided (evidence only). Condition: Acute myeloid leukemia. Review status: no classification provided. Collection method: in vitro. Allele origin: not applicable. Functional consequence: retained intron. Not counted in ClinVar's aggregate classification.